The following is an entry in ClinVar:

NM_001170535.3(ATAD3A):c.283-3C>T

Gene: ATAD3A (ATPase family AAA domain containing 3A; plus strand). Cytogenetic location: 1p36.33.
Variant type: single nucleotide variant.
Coding change: c.283-3C>T on transcript NM_001170535.3 (MANE Select); 3 bases into the intron before coding-DNA position 283, C replaced by T.
Molecular consequence: intron variant. On other transcripts: nonsense (1).
Genome position (GRCh38, 1-based): chr1:1,517,308, C>T. VCF-style: chr1-1517308-C-T. GRCh37 (hg19) VCF-style: chr1-1452688-C-T.
Other names: c.424C>T, p.Gln142Ter (NM_018188.5); c.46-3C>T (NM_001170536.3); short protein forms Q142*.
Identifiers: ClinVar variation 489346 (VCV000489346.5), dbSNP rs1020653590, ClinGen allele CA16779918.
Genomic context (GRCh38, chr1:1,517,308, plus strand): 5'-GAGCGGCTGTCAGGCAGTGCCAGCCCTGAGCAAGTGCCAGCTGGTGAGTGCTGTGCTCTG[C>T]AGGAGTATGAGGCCGCCGTGGAGCAGCTCAAGAGCGAGCAGATCCGGGCGCAGGCTGAGG-3'

ClinVar aggregate classification (germline): Uncertain significance. Review status: criteria provided, multiple submitters, no conflicts (2 of 4 stars). 3 submissions from 3 submitters: Uncertain significance (3). Last evaluated 2025-03-28.

Conditions:
Harel-Yoon syndrome (HAYOS). Also called: Optic atrophy-peripheral neuropathy-developmental delay syndrome. Identifiers: Orphanet 496790, MedGen C4310677, MONDO:0014958, OMIM 617183.

Allele frequency attached by ClinVar (database versions not stated): TOPMed 0.00006; gnomAD exomes 0.00007 and 0.00004; gnomAD 0.00005.

Submissions (3):

Dasa
Classification: Uncertain significance. Last evaluated: 2025-03-28. Review status: criteria provided, single submitter. Criteria: DASA Assertion Criteria. Collection method: clinical testing. Allele origin: germline.
Comment: NM_018188.5(ATAD3A):c.424C>T (p.Gln142*) is a nonsense variant in ATAD3A predicted to introduce a premature termination codon. This variant is rare in population databases. Computational prediction algorithms are consistent with a benign effect. The currently available literature and clinical evidence are not sufficient to establish a definitive association between this variant and the reported condition. Therefore, this variant is classified as a variant of uncertain significance.

Department of Pathology and Laboratory Medicine, Sinai Health System
Classification: Uncertain significance for Harel-Yoon syndrome. Last evaluated: 2023-04-03. Review status: criteria provided, single submitter. Criteria: ACMG Guidelines, 2015. Collection method: research. Allele origin: germline.

GeneDx
Classification: Uncertain significance. Last evaluated: 2018-01-16. Review status: criteria provided, single submitter. Criteria: GeneDx Variant Classification (06012015). Collection method: clinical testing. Allele origin: germline. Affected: yes.
Comment: The Q142X variant in the ATAD3A gene has not been reported previously as a pathogenic variant nor as a benign variant, to our knowledge. This variant is predicted to cause loss of normal protein function either through protein truncation or nonsense-mediated mRNA decay. The Q142X variant is observed in 6/147846 (0.004%) alleles in large population cohorts (Lek et al., 2016). We interpret Q142X as a variant of uncertain significance.